The following is an entry in ClinVar:

NM_014363.6(SACS):c.12851_12854del (p.Glu4284fs)

Gene: SACS (sacsin molecular chaperone; minus strand). Cytogenetic location: 13q12.12.
Variant type: Microsatellite.
Coding change: c.12851_12854del on transcript NM_014363.6 (MANE Select); coding-DNA positions 12851 to 12854, 4 bases deleted (AGAG; older notation c.12851_12854delAGAG).
Protein change: p.Glu4284fs; shifts the reading frame from glutamic acid 4284.
Molecular consequence: frameshift variant.
Genome position (GRCh38, 1-based): chr13:23,331,022-23,331,025, CTCT deleted on the plus strand (AGAG on the coding strand, the reverse complement: SACS is on the minus strand); deleting any 4 consecutive bases within chr13:23,331,022-23,331,029 gives the same sequence; the c. name uses the placement nearest the transcript's 3' end. VCF-style (leftmost placement, unchanged base first): chr13-23331021-GCTCT-G. GRCh37 (hg19) VCF-style: chr13-23905160-GCTCT-G.
Other names: c.12851_12854delAGAG (NM_014363.5); c.12410_12413del, p.Glu4137fs (NM_001278055.2); short protein forms E4137fs, E4284fs.
Identifiers: ClinVar variation 189014 (VCV000189014.9), dbSNP rs786204628, ClinGen allele CA274258.

ClinVar aggregate classification (germline): Pathogenic/Likely pathogenic. Review status: criteria provided, multiple submitters, no conflicts (2 of 4 stars). 5 submissions from 5 submitters: Pathogenic (3); Likely pathogenic (1). 1 of the submissions does not count toward it. Last evaluated 2024-05-31.

Conditions:
Spastic paraplegia. Identifiers: MedGen C0037772, HP:0001258.
Charlevoix-Saguenay spastic ataxia (SACS). Also called: SPASTIC ATAXIA 6, AUTOSOMAL RECESSIVE; AUTOSOMAL RECESSIVE SPASTIC ATAXIA OF CHARLEVOIX-SAGUENAY; Spastic ataxia of Charlevoix-Saguenay. Identifiers: Orphanet 98, MedGen C1849140, MONDO:0010041, OMIM 270550.

Submissions (5):

Natera, Inc.
Classification: Pathogenic for Charlevoix-Saguenay type spastic ataxia. Last evaluated: 2024-05-31. Review status: criteria provided, single submitter. Criteria: Natera Variant Classification Schema (03/2026). Collection method: clinical testing. Allele origin: germline.
Comment: The c.12851_12854delAGAG variant in SACS is a frameshift variant predicted to shift the reading frame beginning at codon 4284 and leads to a stop codon 23 codons downstream. This variant is expected to result in nonsense mediated decay, truncation, or a dysfunctional protein product. This variant is rare in the general population with a frequency below the threshold expected for the associated phenotype(s). This variant has been observed in one or more individuals affected with the associated recessive disease, as either homozygous or compound heterozygous with a second variant (PMID: 19529988, 20798953, 31429931, 30460542). Additionally, this variant has been observed to segregate in affected family members (PMID: 19529988, 30460542). Given the available evidence, this variant is classified as Pathogenic.

Labcorp Genetics (formerly Invitae), Labcorp
Classification: Pathogenic for Spastic paraplegia. Last evaluated: 2023-07-13. Review status: criteria provided, single submitter. Criteria: Invitae Variant Classification Sherloc (09022015). Collection method: clinical testing. Allele origin: germline.
Comment: This sequence change creates a premature translational stop signal (p.Glu4284Alafs*23) in the SACS gene. While this is not anticipated to result in nonsense mediated decay, it is expected to disrupt the last 296 amino acid(s) of the SACS protein. This variant is present in population databases (rs786204628, gnomAD 0.002%). This premature translational stop signal has been observed in individual(s) with clinical features of SACS-related conditions (PMID: 19529988, 30460542). This variant is also known as c.12846_12850delAGAG. This variant disrupts a region of the SACS protein in which other variant(s) (p.Ser4496*) have been determined to be pathogenic (PMID: 15156359, 21507954; Invitae). This suggests that this is a clinically significant region of the protein, and that variants that disrupt it are likely to be disease-causing. For these reasons, this variant has been classified as Pathogenic.

Baylor Genetics
Classification: Pathogenic for Charlevoix-Saguenay spastic ataxia. Last evaluated: 2023-02-15. Review status: criteria provided, single submitter. Criteria: ACMG Guidelines, 2015. Collection method: clinical testing. Allele origin: unknown.

Neuberg Centre For Genomic Medicine, NCGM
Classification: Likely pathogenic for Charlevoix-Saguenay spastic ataxia. Review status: criteria provided, single submitter. Criteria: ACMG Guidelines, 2015. Collection method: clinical testing. Allele origin: germline. Inheritance: Autosomal recessive inheritance. Affected: yes.
Comment: The frameshift variant c.12851_12854del (p.Glu4284AlafsTer23) has not been reported previously as a pathogenic variant nor as a benign variant, to our knowledge. The p.Glu4284AlafsTer23 variant is reported with the allele frequency of 0.0007966% in gnomAD and is novel (not in any individuals) in 1000 Genomes. This variant has been reported to the ClinVar database as Likely pathogenic. This variant causes a frameshift starting with codon Glutamic Acid 4284, changes this amino acid to Alanine residue, and creates a premature Stop codon at position 23 of the new reading frame, denoted p.Glu4284AlafsTer23. Loss of function variants have been previously reported to be disease causing. For these reasons, this variant has been classified as Likely pathogenic.

Counsyl
Classification: Likely pathogenic for Spastic ataxia Charlevoix-Saguenay type. Last evaluated: 2014-10-14. Review status: no assertion criteria provided. Collection method: literature only. Allele origin: unknown. Inheritance: Autosomal recessive inheritance. Not counted in ClinVar's aggregate classification.

Literature cited by the submitters: PubMed 19529988 (cited by 3 submitters); PubMed 20798953 (cited by Natera, Inc.); PubMed 31429931 (cited by Natera, Inc.); PubMed 30460542 (cited by Natera, Inc. and Labcorp Genetics (formerly Invitae), Labcorp); PubMed 15156359 (cited by Labcorp Genetics (formerly Invitae), Labcorp); PubMed 21507954 (cited by Labcorp Genetics (formerly Invitae), Labcorp and Counsyl); PubMed 19208651 (cited by Counsyl).